The following is an entry in ClinVar:

NM_019892.6(INPP5E):c.1095G>A (p.Ser365=)

Gene: INPP5E (inositol polyphosphate-5-phosphatase E; minus strand). Cytogenetic location: 9q34.3.
Variant type: single nucleotide variant.
Coding change: c.1095G>A on transcript NM_019892.6 (MANE Select); coding-DNA position 1095, G replaced by A.
Protein change: p.Ser365=; no amino-acid change (serine 365 retained).
Molecular consequence: synonymous variant.
Genome position (GRCh38, 1-based): chr9:136,433,219, C>T on the plus strand (G>A on the coding strand, the complement: INPP5E is on the minus strand). VCF-style: chr9-136433219-C-T. GRCh37 (hg19) VCF-style: chr9-139327671-C-T.
Other names: c.1095G>A (NM_019892.5); c.1095G>A, p.Ser365= (NM_001318502.2).
Identifiers: ClinVar variation 850145 (VCV000850145.9), dbSNP rs748104868, ClinGen allele CA5336952.

ClinVar aggregate classification (germline): Likely benign. Review status: criteria provided, single submitter (1 of 4 stars). 2 submissions from 2 submitters: Likely benign (1). 1 of the submissions does not count toward it. Last evaluated 2025-12-22.

Conditions:
INPP5E-related disorder. Also called: INPP5E-related condition.
Joubert syndrome. Also called: CEREBELLOPARENCHYMAL DISORDER IV; JOUBERT-BOLTSHAUSER SYNDROME; Familial aplasia of the vermis. Identifiers: Orphanet 475, MedGen C5979921, MONDO:0018772.

Allele frequency attached by ClinVar (database versions not stated): gnomAD exomes 0.00002 and 0.00001; gnomAD 0.00003; TOPMed 0.00008; ExAC 0.00002.
gnomAD v4.1: 20 of 1,594,356 alleles (0.0013%); highest among the groups gnomAD compares: African/African-American, 0.0083%; no homozygotes.

Submissions (2):

Labcorp Genetics (formerly Invitae), Labcorp
Classification: Likely benign for Joubert syndrome. Last evaluated: 2025-12-22. Review status: criteria provided, single submitter. Criteria: Invitae Variant Classification Sherloc (09022015). Collection method: clinical testing. Allele origin: germline.

PreventionGenetics, part of Exact Sciences
Classification: Likely benign for INPP5E-related condition. Last evaluated: 2024-07-29. Review status: no assertion criteria provided. Collection method: clinical testing. Allele origin: germline. Not counted in ClinVar's aggregate classification.
Comment: This variant is classified as likely benign based on ACMG/AMP sequence variant interpretation guidelines (Richards et al. 2015 PMID: 25741868, with internal and published modifications).